The following is an entry in ClinVar:

NM_001378418.1(TCF20):c.4670C>T (p.Pro1557Leu)

Gene: TCF20 (transcription factor 20; minus strand). Cytogenetic location: 22q13.2.
Variant type: single nucleotide variant.
Coding change: c.4670C>T on transcript NM_001378418.1 (MANE Select); coding-DNA position 4670, C replaced by T.
Protein change: p.Pro1557Leu; replaces proline 1557 with leucine.
Molecular consequence: missense variant.
Genome position (GRCh38, 1-based): chr22:42,210,636, G>A on the plus strand (C>T on the coding strand, the complement: TCF20 is on the minus strand). VCF-style: chr22-42210636-G-A. GRCh37 (hg19) VCF-style: chr22-42606642-G-A.
Other names: c.4670C>T (NM_005650.3); c.4670C>T, p.Pro1557Leu (NM_005650.4, NM_181492.3); short protein forms P1557L.
Identifiers: ClinVar variation 803707 (VCV000803707.34), dbSNP rs199838890, ClinGen allele CA10266608.

ClinVar aggregate classification (germline): Benign/Likely benign. Review status: criteria provided, multiple submitters, no conflicts (2 of 4 stars). 4 submissions from 4 submitters: Benign (3); Likely benign (1). Last evaluated 2026-08-01.

Conditions:
Developmental delay with variable intellectual impairment and behavioral abnormalities. Identifiers: MedGen C5193092, MONDO:0032745, OMIM 618430.
TCF20-related disorder. Also called: TCF20-related condition.

Allele frequency attached by ClinVar (database versions not stated): 1000 Genomes Project 30x 0.00031; ESP Exome Variant Server 0.00031; 1000 Genomes Project 0.00040; TOPMed 0.00055; ExAC 0.00138; gnomAD 0.00179 and 0.00183; gnomAD exomes 0.00179.
gnomAD v4.1: 2,099 of 1,614,132 alleles (0.13%); highest among the groups gnomAD compares: South Asian, 0.14%; 11 homozygotes.

Submissions (4):

CeGaT Center for Human Genetics Tuebingen
Classification: Benign. Last evaluated: 2026-08-01. Review status: criteria provided, single submitter. Criteria: CeGaT Center For Human Genetics Tuebingen Variant Classification Criteria Version 2. Collection method: clinical testing. Allele origin: germline. Affected: yes. Observed: 7 variant alleles.
Comment: TCF20: BP4, BS1, BS2

Labcorp Genetics (formerly Invitae), Labcorp
Classification: Benign. Last evaluated: 2025-12-08. Review status: criteria provided, single submitter. Criteria: Invitae Variant Classification Sherloc (09022015). Collection method: clinical testing. Allele origin: germline.

PreventionGenetics, part of Exact Sciences
Classification: Likely benign for TCF20-related condition. Last evaluated: 2025-08-07. Review status: criteria provided, single submitter. Criteria: ACMG Guidelines, 2015. Collection method: clinical testing. Allele origin: germline.
Comment: This variant is classified as likely benign based on ACMG/AMP sequence variant interpretation guidelines (Richards et al. 2015 PMID: 25741868, with internal and published modifications).

Mendelics
Classification: Benign for Developmental delay with variable intellectual impairment and behavioral abnormalities. Last evaluated: 2019-05-28. Review status: criteria provided, single submitter. Criteria: Mendelics Assertion Criteria 2017. Collection method: clinical testing. Allele origin: unknown.